The following is an entry in ClinVar:

ClinVar aggregate classification (germline): Uncertain significance. Review status: criteria provided, multiple submitters, no conflicts (2 of 4 stars). 2 submissions from 2 submitters: Uncertain significance (2). Last evaluated 2026-01-12.

Allele frequency attached by ClinVar (database versions not stated): TOPMed 0.00041; ESP Exome Variant Server 0.00046; ExAC 0.00059; gnomAD exomes 0.00060; gnomAD 0.00062.
gnomAD v4.1: 962 of 1,613,988 alleles (0.06%); highest among the groups gnomAD compares: Non-Finnish European, 0.075%; 1 homozygote.

Submissions (2):

Labcorp Genetics (formerly Invitae), Labcorp
Classification: Uncertain significance. Last evaluated: 2026-01-12. Review status: criteria provided, single submitter. Criteria: Invitae Variant Classification Sherloc (09022015). Collection method: clinical testing. Allele origin: germline.
Comment: This sequence change replaces lysine, which is basic and polar, with glutamine, which is neutral and polar, at codon 933 of the FBN3 protein (p.Lys933Gln). This variant is present in population databases (rs142483640, gnomAD 0.1%), and has an allele count higher than expected for a pathogenic variant. This variant has not been reported in the literature in individuals affected with FBN3-related conditions. ClinVar contains an entry for this variant (Variation ID: 2157316). Invitae Evidence Modeling of protein sequence and biophysical properties (such as structural, functional, and spatial information, amino acid conservation, physicochemical variation, residue mobility, and thermodynamic stability) indicates that this missense variant is not expected to disrupt FBN3 protein function with a negative predictive value of 80%. In summary, the available evidence is currently insufficient to determine the role of this variant in disease. Therefore, it has been classified as a Variant of Uncertain Significance.

Ambry Genetics
Classification: Uncertain significance. Last evaluated: 2025-02-23. Review status: criteria provided, single submitter. Criteria: Ambry Variant Classification Scheme 2023. Collection method: clinical testing. Allele origin: germline.

NM_032447.5(FBN3):c.2797A>C (p.Lys933Gln)

Gene: FBN3 (fibrillin 3; minus strand). Cytogenetic location: 19p13.2.
Variant type: single nucleotide variant.
Coding change: c.2797A>C on transcript NM_032447.5 (MANE Select); coding-DNA position 2797, A replaced by C.
Protein change: p.Lys933Gln; replaces lysine 933 with glutamine.
Molecular consequence: missense variant.
Genome position (GRCh38, 1-based): chr19:8,123,943, T>G on the plus strand (A>C on the coding strand, the complement: FBN3 is on the minus strand). VCF-style: chr19-8123943-T-G. GRCh37 (hg19) VCF-style: chr19-8188827-T-G.
Other names: c.2797A>C, p.Lys933Gln (NM_001321431.2); c.2797A>C (NM_032447.3); short protein forms K933Q.
Identifiers: ClinVar variation 2157316 (VCV002157316.6), dbSNP rs142483640, ClinGen allele CA9152705.
Genomic context (GRCh38, chr19:8,123,943, plus strand): 5'-CCTCGCACTCGACTCCCCACACGGCCCCGATGGAGCAGCAGCAGACGTCCATCCGGTACT[T>G]GCCAGGCAGGGTGACCCCACACTCATCCTCATCCCATCGCAGGAAACATGGTTCCAATCT-3'
Protein context (NP_115823.3, residues 923-943): EDECGVTLPG[Lys933Gln]YRMDVCCCSI